The following is an entry in ClinVar:

NC_000007.13:g.(?_117234964)_(117267864_?)dup

Gene: CFTR (CF transmembrane conductance regulator; plus strand). Cytogenetic location: 7q31.2.
Variant type: Duplication.
Identifiers: ClinVar variation 1409702 (VCV001409702.6).

ClinVar aggregate classification (germline): Uncertain significance (1 of 4 stars; one submission).

Conditions:
Cystic fibrosis (CF). Also called: MUCOVISCIDOSIS. Identifiers: Orphanet 586, MedGen C0010674, MONDO:0009061, OMIM 219700. Disease mechanism: loss of function.

Submission:

Labcorp Genetics (formerly Invitae), Labcorp
Classification: Uncertain significance for Cystic fibrosis. Last evaluated: 2020-12-27. Review status: criteria provided, single submitter. Criteria: Invitae Variant Classification Sherloc (09022015). Collection method: clinical testing. Allele origin: germline.
Comment: In summary, the available evidence is currently insufficient to determine the role of this variant in disease. Therefore, it has been classified as a Variant of Uncertain Significance. This variant has been observed in individual(s) with clinical features of cystic fibrosis (Invitae). This variant results in a copy number gain of the genomic region encompassing exon(s) 15-22 of the CFTR gene. While the exact position of this variant cannot be determined from the data, sub-genic copy number gains are generally in tandem (PMID: 25640679). This variant is predicted to be in-frame, and likely preserves the integrity of the reading frame.

Literature cited by the submitters: PubMed 25640679.